The following is an entry in ClinVar:

NM_000138.5(FBN1):c.1547G>T (p.Arg516Leu)

Gene: FBN1 (fibrillin 1; minus strand). Cytogenetic location: 15q21.1.
Variant type: single nucleotide variant.
Coding change: c.1547G>T on transcript NM_000138.5 (MANE Select); coding-DNA position 1547, G replaced by T.
Protein change: p.Arg516Leu; replaces arginine 516 with leucine.
Molecular consequence: missense variant.
Genome position (GRCh38, 1-based): chr15:48,513,590, C>A on the plus strand (G>T on the coding strand, the complement: FBN1 is on the minus strand). VCF-style: chr15-48513590-C-A. GRCh37 (hg19) VCF-style: chr15-48805787-C-A.
Other names: c.1547G>T, p.Arg516Leu (NM_001406716.1); short protein forms R516L.
Identifiers: ClinVar variation 4255462 (VCV004255462.1).
Genomic context (GRCh38, chr15:48,513,590, plus strand): 5'-TCAGGAGCCAGGACCATACCTCGGCATTCTGTCCGCGTGAGTGTGCTCTGATATCCAGCT[C>A]GGCACTGACAGGTGTACGAACCCTGGTTGTTAATACACTCACCACCAGCACAGGGGTTTT-3'
Protein context (NP_000129.3, residues 506-526): NNQGSYTCQC[Arg516Leu]AGYQSTLTRT

ClinVar aggregate classification (germline): Uncertain significance (1 of 4 stars; one submission).

Conditions:
Familial thoracic aortic aneurysm and aortic dissection (TAAD). Also called: Thoracic aortic aneurysms and dissections. Identifiers: Orphanet 91387, MedGen C4707243, MONDO:0019625.

Submission:

Ambry Genetics
Classification: Uncertain significance for Familial thoracic aortic aneurysm and aortic dissection. Last evaluated: 2025-08-21. Review status: criteria provided, single submitter. Criteria: Ambry Variant Classification Scheme 2023. Collection method: clinical testing. Allele origin: germline.
Comment: The p.R516L variant (also known as c.1547G>T), located in coding exon 12 of the FBN1 gene, results from a G to T substitution at nucleotide position 1547. The arginine at codon 516 is replaced by leucine, an amino acid with dissimilar properties. This variant was reported in individual(s) with features consistent with thoracic aortic aneurysm (Ambry internal data). This amino acid position is not well conserved in available vertebrate species. In addition, the in silico prediction for this alteration is inconclusive. Based on the available evidence, the clinical significance of this variant remains unclear.